The following is an entry in ClinVar:

ClinVar aggregate classification (germline): Uncertain significance. Review status: criteria provided, multiple submitters, no conflicts (2 of 4 stars). 3 submissions from 3 submitters: Uncertain significance (3). Last evaluated 2025-03-27.

Allele frequency attached by ClinVar (database versions not stated): gnomAD 0.00001; gnomAD exomes 0.00001 and 0.00004; TOPMed 0.00001.

Submissions (3):

Labcorp Genetics (formerly Invitae), Labcorp
Classification: Uncertain significance. Last evaluated: 2025-03-27. Review status: criteria provided, single submitter. Criteria: Invitae Variant Classification Sherloc (09022015). Collection method: clinical testing. Allele origin: germline.
Comment: This sequence change replaces arginine, which is basic and polar, with cysteine, which is neutral and slightly polar, at codon 242 of the ZNF513 protein (p.Arg242Cys). This variant is present in population databases (rs776316686, gnomAD 0.01%). This missense change has been observed in individual(s) with retinitis pigmentosa (PMID: 29320387). ClinVar contains an entry for this variant (Variation ID: 196575). An algorithm developed to predict the effect of missense changes on protein structure and function (PolyPhen-2) suggests that this variant is likely to be disruptive. In summary, the available evidence is currently insufficient to determine the role of this variant in disease. Therefore, it has been classified as a Variant of Uncertain Significance.

Blueprint Genetics
Classification: Uncertain significance. Last evaluated: 2023-04-18. Review status: criteria provided, single submitter. Criteria: ACMG Guidelines, 2015. Collection method: clinical testing. Allele origin: germline.

Eurofins Ntd Llc (ga)
Classification: Uncertain significance. Last evaluated: 2015-05-05. Review status: criteria provided, single submitter. Criteria: EGL Classification Definitions 2015. Collection method: clinical testing. Allele origin: germline. Observed: 1 variant allele, 1 heterozygote.

Literature cited by the submitters: PubMed 29320387 (cited by Labcorp Genetics (formerly Invitae), Labcorp).

NM_144631.6(ZNF513):c.724C>T (p.Arg242Cys)

Gene: ZNF513 (zinc finger protein 513; minus strand). Cytogenetic location: 2p23.3.
Variant type: single nucleotide variant.
Coding change: c.724C>T on transcript NM_144631.6 (MANE Select); coding-DNA position 724, C replaced by T.
Protein change: p.Arg242Cys; replaces arginine 242 with cysteine.
Molecular consequence: missense variant.
Genome position (GRCh38, 1-based): chr2:27,378,542, G>A on the plus strand (C>T on the coding strand, the complement: ZNF513 is on the minus strand). VCF-style: chr2-27378542-G-A. GRCh37 (hg19) VCF-style: chr2-27601409-G-A.
Other names: c.538C>T, p.Arg180Cys (NM_001201459.2); short protein forms R242C, R180C.
Identifiers: ClinVar variation 196575 (VCV000196575.11), dbSNP rs776316686, ClinGen allele CA243580.